The following is an entry in ClinVar:

ClinVar aggregate classification (germline): Uncertain significance. Review status: criteria provided, multiple submitters, no conflicts (2 of 4 stars). 2 submissions from 2 submitters: Uncertain significance (2). Last evaluated 2025-08-01.

Allele frequency attached by ClinVar (database versions not stated): ExAC 0.00001; TOPMed 0.00006; gnomAD 0.00007; ESP Exome Variant Server 0.00008; gnomAD exomes 0.00009; 1000 Genomes Project 30x 0.00016.
gnomAD v4.1: 152 of 1,613,040 alleles (0.0094%); highest among the groups gnomAD compares: Non-Finnish European, 0.011%; no homozygotes.

Submissions (2):

CeGaT Center for Human Genetics Tuebingen
Classification: Uncertain significance. Last evaluated: 2025-08-01. Review status: criteria provided, single submitter. Criteria: CeGaT Center For Human Genetics Tuebingen Variant Classification Criteria Version 2. Collection method: clinical testing. Allele origin: germline. Affected: yes. Observed: 2 variant alleles.
Comment: COL4A2: PM1

Women's Health and Genetics/Laboratory Corporation of America, LabCorp
Classification: Uncertain significance. Last evaluated: 2024-12-30. Review status: criteria provided, single submitter. Criteria: LabCorp Variant Classification Summary - May 2015. Collection method: clinical testing. Allele origin: germline.
Comment: Variant summary: COL4A2 c.1396G>A (p.Gly466Ser) results in a non-conservative amino acid change located in the Collagen triple helix repeat (20 copies) (IPR008160) of the encoded protein sequence. Five of five in-silico tools predict a damaging effect of the variant on protein function. The variant allele was found at a frequency of 9.4e-05 in 1613040 control chromosomes (gnomAD database v4). This frequency is not significantly higher than estimated for a pathogenic variant in COL4A2 causing Porencephaly 2, allowing no conclusion about variant significance. c.1396G>A has been reported in the literature in individuals affected with Small Vessel disease (Tan_2019). These report(s) do not provide unequivocal conclusions about association of the variant with Porencephaly 2. To our knowledge, no experimental evidence demonstrating an impact on protein function has been reported. The following publication have been ascertained in the context of this evaluation (PMID: 31719132). ClinVar contains an entry for this variant (Variation ID: 2643953). Based on the evidence outlined above, the variant was classified as uncertain significance.

Literature cited by the submitters: PubMed 31719132 (cited by Women's Health and Genetics/Laboratory Corporation of America, LabCorp).

NM_001846.4(COL4A2):c.1396G>A (p.Gly466Ser)

Genes: COL4A2 (collagen type IV alpha 2 chain; plus strand), COL4A2-AS2 (COL4A2 antisense RNA 2; minus strand). Cytogenetic location: 13q34.
Variant type: single nucleotide variant.
Coding change: c.1396G>A on transcript NM_001846.4 (MANE Select); coding-DNA position 1396, G replaced by A.
Protein change: p.Gly466Ser; replaces glycine 466 with serine.
Molecular consequence: missense variant.
Genome position (GRCh38, 1-based): chr13:110,457,399, G>A. VCF-style: chr13-110457399-G-A. GRCh37 (hg19) VCF-style: chr13-111109746-G-A.
Other names: short protein forms G466S.
Identifiers: ClinVar variation 2643953 (VCV002643953.25), dbSNP rs374820618, ClinGen allele CA7049508.